The following is an entry in ClinVar:

NM_007279.3(U2AF2):c.1396C>G (p.Pro466Ala)

Gene: U2AF2 (U2 small nuclear RNA auxiliary factor 2; plus strand). Cytogenetic location: 19q13.42.
Variant type: single nucleotide variant.
Coding change: c.1396C>G on transcript NM_007279.3 (MANE Select); coding-DNA position 1396, C replaced by G.
Protein change: p.Pro466Ala; replaces proline 466 with alanine.
Molecular consequence: missense variant.
Genome position (GRCh38, 1-based): chr19:55,674,036, C>G. VCF-style: chr19-55674036-C-G. GRCh37 (hg19) VCF-style: chr19-56185402-C-G.
Other names: c.1384C>G, p.Pro462Ala (NM_001012478.2); short protein forms P462A, P466A.
Identifiers: ClinVar variation 3767449 (VCV003767449.1).

ClinVar aggregate classification (germline): Uncertain significance (1 of 4 stars; one submission).

gnomAD v4.1: 1 of 1,613,710 alleles (0.000062%); highest among the groups gnomAD compares: Non-Finnish European, 0.000085%; no homozygotes.

Submission:

GeneDx
Classification: Uncertain significance. Last evaluated: 2024-09-09. Review status: criteria provided, single submitter. Criteria: GeneDx Variant Classification Process June 2021. Collection method: clinical testing. Allele origin: germline. Affected: yes.
Comment: Not observed at significant frequency in large population cohorts (gnomAD); In silico analysis supports that this missense variant has a deleterious effect on protein structure/function; Has not been previously published as pathogenic or benign to our knowledge